The following is an entry in ClinVar:

NM_024548.4(CEP97):c.1503_1504dup (p.Thr502fs)

Gene: CEP97 (centrosomal protein 97; plus strand). Cytogenetic location: 3q12.3.
Variant type: Duplication.
Coding change: c.1503_1504dup on transcript NM_024548.4 (MANE Select); coding-DNA positions 1503 to 1504, 2 bases duplicated (TA; older notation c.1503_1504dupTA).
Protein change: p.Thr502fs; shifts the reading frame from threonine 502.
Molecular consequence: frameshift variant.
Genome position (GRCh38, 1-based): chr3:101,758,109-101,758,110, TA duplicated. VCF-style (leftmost placement, unchanged base first): chr3-101758108-T-TTA. GRCh37 (hg19) VCF-style: chr3-101476952-T-TTA.
Other names: c.1326_1327dup, p.Thr443fs (NM_001303401.2); c.1401_1402dup, p.Thr468fs (NM_001410784.1); c.1224_1225dup, p.Thr409fs (NM_001410785.1); short protein forms T468fs, T502fs, T409fs, T443fs.
Identifiers: ClinVar variation 3656022 (VCV003656022.2).

ClinVar aggregate classification (germline): Uncertain significance (1 of 4 stars; one submission).

Submission:

Labcorp Genetics (formerly Invitae), Labcorp
Classification: Uncertain significance. Last evaluated: 2024-06-09. Review status: criteria provided, single submitter. Criteria: Invitae Variant Classification Sherloc (09022015). Collection method: clinical testing. Allele origin: germline.
Comment: This sequence change creates a premature translational stop signal (p.Thr502Ilefs*15) in the CEP97 gene. It is expected to result in an absent or disrupted protein product. However, the current clinical and genetic evidence is not sufficient to establish whether loss-of-function variants in CEP97 cause disease. This variant is not present in population databases (gnomAD no frequency). This variant has not been reported in the literature in individuals affected with CEP97-related conditions. In summary, the available evidence is currently insufficient to determine the role of this variant in disease. Therefore, it has been classified as a Variant of Uncertain Significance.